The following is an entry in ClinVar:

NM_001170700.3(DTHD1):c.2557T>C (p.Cys853Arg)

Gene: DTHD1 (death domain containing 1; plus strand). Cytogenetic location: 4p14.
Variant type: single nucleotide variant.
Coding change: c.2557T>C on transcript NM_001170700.3 (MANE Select); coding-DNA position 2557, T replaced by C.
Protein change: p.Cys853Arg; replaces cysteine 853 with arginine.
Molecular consequence: missense variant. On other transcripts: synonymous variant (1), non-coding transcript variant (2).
Genome position (GRCh38, 1-based): chr4:36,343,660, T>C. VCF-style: chr4-36343660-T-C. GRCh37 (hg19) VCF-style: chr4-36345282-T-C.
Other names: c.1687T>C, p.Cys563Arg (NM_001136536.5); c.1566T>C, p.Phe522= (NM_001378435.1); short protein forms C563R, C853R.
Identifiers: ClinVar variation 1038556 (VCV001038556.10), dbSNP rs1759446088, ClinGen allele CA356682354.
Genomic context (GRCh38, chr4:36,343,660, plus strand): 5'-ATTCAGCTCATCAAACTCAAGAACCCTGATGATCTCACAGAACAGATCCACGAGTTTCTT[T>C]GCTTCTGGAAAAAATCGCTTCCAACTTTCACCGACAAACTTCGCCTCCTGGCTCGACATC-3'
Protein context (NP_001164171.2, residues 843-863): DLTEQIHEFL[Cys853Arg]FWKKSLPTFT

ClinVar aggregate classification (germline): Uncertain significance (1 of 4 stars; one submission).

Submission:

Labcorp Genetics (formerly Invitae), Labcorp
Classification: Uncertain significance. Last evaluated: 2022-10-25. Review status: criteria provided, single submitter. Criteria: Invitae Variant Classification Sherloc (09022015). Collection method: clinical testing. Allele origin: germline.
Comment: This sequence change replaces cysteine, which is neutral and slightly polar, with arginine, which is basic and polar, at codon 563 of the DTHD1 protein (p.Cys563Arg). This variant is not present in population databases (gnomAD no frequency). This variant has not been reported in the literature in individuals affected with DTHD1-related conditions. ClinVar contains an entry for this variant (Variation ID: 1038556). Algorithms developed to predict the effect of missense changes on protein structure and function are either unavailable or do not agree on the potential impact of this missense change (SIFT: "Deleterious"; PolyPhen-2: "Benign"; Align-GVGD: "Class C0"). In summary, the available evidence is currently insufficient to determine the role of this variant in disease. Therefore, it has been classified as a Variant of Uncertain Significance.